The following is an entry in ClinVar:

NM_000466.3(PEX1):c.3038G>A (p.Arg1013His)

Genes: GATAD1 (GATA zinc finger domain containing 1; plus strand), PEX1 (peroxisomal biogenesis factor 1; minus strand). Cytogenetic location: 7q21.2.
Variant type: single nucleotide variant.
Coding change: c.3038G>A on transcript NM_000466.3 (MANE Select); coding-DNA position 3038, G replaced by A.
Protein change: p.Arg1013His; replaces arginine 1013 with histidine.
Molecular consequence: missense variant.
Genome position (GRCh38, 1-based): chr7:92,493,122, C>T on the plus strand (G>A on the coding strand, the complement: PEX1 is on the minus strand). VCF-style: chr7-92493122-C-T. GRCh37 (hg19) VCF-style: chr7-92122436-C-T.
Other names: c.2867G>A, p.Arg956His (NM_001282677.2); c.2414G>A, p.Arg805His (NM_001282678.2); short protein forms R1013H, R956H, R805H.
Identifiers: ClinVar variation 551650 (VCV000551650.11), dbSNP rs1484321655, ClinGen allele CA368167099.
Genomic context (GRCh38, chr7:92,493,122, plus strand): 5'-TGAAGGTCAACATCATCTGCCAGAGGTAGAGAGTCACTGAGGACATTTAAAATTTCAAGA[C>T]GTGACACCTGAAAGGAGAAAAATTTATTTAACAAATAAAAAATAAAATTAAAAATATTAT-3'
Protein context (NP_000457.1, residues 1003-1023): VYCPPPDQVS[Arg1013His]LEILNVLSDS

ClinVar aggregate classification (germline): Pathogenic/Likely pathogenic. Review status: criteria provided, multiple submitters, no conflicts (2 of 4 stars). 5 submissions from 4 submitters: Pathogenic (1); Likely pathogenic (3). 1 of the submissions does not count toward it. Last evaluated 2025-07-28.

Conditions:
Zellweger spectrum disorders (ZS). Also called: Zellweger Spectrum Disorder; Zellweger Spectrum; Zellweger Spectrum Disorder (ZSD); Zellweger syndrome. Identifiers: Orphanet 912, MedGen C0043459, MONDO:0019609.
Heimler syndrome 1 (HMLR1). Also called: PEROXISOME BIOGENESIS DISORDER 1C. Identifiers: Orphanet 3220, MedGen C4551980, OMIM 234580, MONDO:0024544.
Peroxisome biogenesis disorder 1B (PBD1B). Also called: PEROXISOME BIOGENESIS DISORDER (NEONATAL ADRENOLEUKODYSTROPHY/INFANTILE REFSUM DISEASE); INFANTILE PHYTANIC ACID STORAGE DISEASE; PEROXISOME BIOGENESIS DISORDER (NALD/IRD); ADRENOLEUKODYSTROPHY, AUTOSOMAL NEONATAL; Refsum disease, infantile form; Infantile Refsum disease. Identifiers: Orphanet 44, MedGen C0282527, MONDO:0011101, OMIM 601539.
Peroxisome biogenesis disorder 1A (Zellweger) (PBD1A). Also called: Peroxisome biogenesis disorder 1a; Zellweger leukodystrophy. Identifiers: MedGen C4721541, MONDO:0008953, OMIM 214100.

Allele frequency attached by ClinVar (database versions not stated): gnomAD exomes 0.00001; TOPMed 0.00001.
gnomAD v4.1: 11 of 1,589,650 alleles (0.00069%); highest among the groups gnomAD compares: Non-Finnish European, 0.00052%; no homozygotes.

Submissions (5):

Natera, Inc.
Classification: Likely pathogenic for Zellweger syndrome. Last evaluated: 2025-07-28. Review status: criteria provided, single submitter. Criteria: Natera Variant Classification Schema (03/2026). Collection method: clinical testing. Allele origin: germline.
Comment: The c.3038G>A variant in PEX1 is a missense variant predicted to cause substitution of arginine to histidine at amino acid 1013. This variant is rare in the general population with a frequency below the threshold expected for the associated phenotype(s). This variant has been observed in one or more individuals affected with the associated recessive disease, as either homozygous or compound heterozygous with a second variant (PMID: 20952722, 16141001). A different variant at the same position has been determined to be Pathogenic or Likely Pathogenic. Computational prediction algorithms indicate this variant is likely to affect gene or protein function. Given the available evidence, this variant is classified as Likely Pathogenic.

Labcorp Genetics (formerly Invitae), Labcorp
Classification: Pathogenic for Zellweger spectrum disorders. Last evaluated: 2025-03-31. Review status: criteria provided, single submitter. Criteria: Invitae Variant Classification Sherloc (09022015). Collection method: clinical testing. Allele origin: germline.
Comment: This sequence change replaces arginine, which is basic and polar, with histidine, which is basic and polar, at codon 1013 of the PEX1 protein (p.Arg1013His). This variant is not present in population databases (gnomAD no frequency). This missense change has been observed in individuals with Zellweger spectrum disorder (PMID: 16141001, 20952722). ClinVar contains an entry for this variant (Variation ID: 551650). Invitae Evidence Modeling of protein sequence and biophysical properties (such as structural, functional, and spatial information, amino acid conservation, physicochemical variation, residue mobility, and thermodynamic stability) indicates that this missense variant is expected to disrupt PEX1 protein function with a positive predictive value of 95%. This variant disrupts the p.Arg1013 amino acid residue in PEX1. Other variant(s) that disrupt this residue have been determined to be pathogenic (PMID: 27124789, 30561787). This suggests that this residue is clinically significant, and that variants that disrupt this residue are likely to be disease-causing. For these reasons, this variant has been classified as Pathogenic.

Baylor Genetics
Classification: Likely pathogenic for Heimler syndrome 1. Last evaluated: 2023-08-29. Review status: criteria provided, single submitter. Criteria: ACMG Guidelines, 2015. Collection method: clinical testing. Allele origin: unknown.

Baylor Genetics
Classification: Likely pathogenic for Peroxisome biogenesis disorder 1A (Zellweger); Peroxisome biogenesis disorder 1B. Review status: criteria provided, single submitter. Criteria: ACMG Guidelines, 2015. Collection method: clinical testing. Allele origin: germline.

Counsyl
Classification: Uncertain significance for Peroxisome biogenesis disorder 1A (Zellweger). Last evaluated: 2017-05-02. Review status: no assertion criteria provided. Collection method: clinical testing. Allele origin: unknown. Not counted in ClinVar's aggregate classification.

Literature cited by the submitters: PubMed 20952722 (cited by 3 submitters); PubMed 16141001 (cited by 3 submitters); PubMed 27124789 (cited by Labcorp Genetics (formerly Invitae), Labcorp); PubMed 30561787 (cited by Labcorp Genetics (formerly Invitae), Labcorp).